The following is an entry in ClinVar:

ClinVar aggregate classification (germline): Likely benign. Review status: criteria provided, multiple submitters, no conflicts (2 of 4 stars). 2 submissions from 2 submitters: Likely benign (2). Last evaluated 2025-10-29.

Conditions:
Niemann-Pick disease, type C1. Also called: NIEMANN-PICK DISEASE, VARIANT TYPE C1; NEUROVISCERAL STORAGE DISEASE WITH VERTICAL SUPRANUCLEAR OPHTHALMOPLEGIA; NIEMANN-PICK DISEASE WITH CHOLESTEROL ESTERIFICATION BLOCK; NIEMANN-PICK DISEASE WITHOUT SPHINGOMYELINASE DEFICIENCY; NIEMANN-PICK DISEASE, CHRONIC NEURONOPATHIC FORM. Identifiers: Orphanet 646, MedGen C3179455, MONDO:0009757, OMIM 257220.
NPC1-related disorder. Also called: NPC1-related condition.

Allele frequency attached by ClinVar (database versions not stated): TOPMed 0.00002.
gnomAD v4.1: 19 of 1,612,426 alleles (0.0012%); highest among the groups gnomAD compares: Non-Finnish European, 0.0014%; no homozygotes.

Submissions (2):

Labcorp Genetics (formerly Invitae), Labcorp
Classification: Likely benign for Niemann-Pick disease, type C1. Last evaluated: 2025-10-29. Review status: criteria provided, single submitter. Criteria: Invitae Variant Classification Sherloc (09022015). Collection method: clinical testing. Allele origin: germline.

PreventionGenetics, part of Exact Sciences
Classification: Likely benign for NPC1-related condition. Last evaluated: 2025-02-13. Review status: criteria provided, single submitter. Criteria: ACMG Guidelines, 2015. Collection method: clinical testing. Allele origin: germline.
Comment: This variant is classified as likely benign based on ACMG/AMP sequence variant interpretation guidelines (Richards et al. 2015 PMID: 25741868, with internal and published modifications).

NM_000271.5(NPC1):c.2550C>T (p.Ile850=)

Gene: NPC1 (NPC intracellular cholesterol transporter 1; minus strand). Cytogenetic location: 18q11.2.
Variant type: single nucleotide variant.
Coding change: c.2550C>T on transcript NM_000271.5 (MANE Select); coding-DNA position 2550, C replaced by T.
Protein change: p.Ile850=; no amino-acid change (isoleucine 850 retained).
Molecular consequence: synonymous variant.
Genome position (GRCh38, 1-based): chr18:23,540,502, G>A on the plus strand (C>T on the coding strand, the complement: NPC1 is on the minus strand). VCF-style: chr18-23540502-G-A. GRCh37 (hg19) VCF-style: chr18-21120466-G-A.
Other names: c.2550C>T (NM_000271.4).
Identifiers: ClinVar variation 1098056 (VCV001098056.10), dbSNP rs542171272, ClinGen allele CA297081821.